The following is an entry in ClinVar:

NM_198578.4(LRRK2):c.6145A>T (p.Ile2049Phe)

Gene: LRRK2 (leucine rich repeat kinase 2; plus strand). Cytogenetic location: 12q12.
Variant type: single nucleotide variant.
Coding change: c.6145A>T on transcript NM_198578.4 (MANE Select); coding-DNA position 6145, A replaced by T.
Protein change: p.Ile2049Phe; replaces isoleucine 2049 with phenylalanine.
Molecular consequence: missense variant.
Genome position (GRCh38, 1-based): chr12:40,346,788, A>T. VCF-style: chr12-40346788-A-T. GRCh37 (hg19) VCF-style: chr12-40740590-A-T.
Other names: short protein forms I2049F.
Identifiers: ClinVar variation 1751854 (VCV001751854.2), dbSNP rs2499966751, ClinGen allele CA384405405.

ClinVar aggregate classification (germline): Uncertain significance (1 of 4 stars; one submission).

Conditions:
Inborn genetic diseases. Identifiers: MedGen C0950123, MeSH D030342.

gnomAD v4.1: 1 of 1,613,944 alleles (0.000062%); highest among the groups gnomAD compares: Non-Finnish European, 0.000085%; no homozygotes.

Submission:

Ambry Genetics
Classification: Uncertain significance for Inborn genetic diseases. Last evaluated: 2022-04-19. Review status: criteria provided, single submitter. Criteria: Ambry Variant Classification Scheme 2023. Collection method: clinical testing. Allele origin: germline.
Comment: The p.I2049F variant (also known as c.6145A>T), located in coding exon 42 of the LRRK2 gene, results from an A to T substitution at nucleotide position 6145. The isoleucine at codon 2049 is replaced by phenylalanine, an amino acid with highly similar properties. This amino acid position is conserved. In addition, this alteration is predicted to be tolerated by in silico analysis. Since supporting evidence is limited at this time, the clinical significance of this alteration remains unclear.